The following is an entry in ClinVar:

NM_017534.6(MYH2):c.254A>G (p.Tyr85Cys)

Genes: MYH2 (myosin heavy chain 2; minus strand), MYHAS (myosin heavy chain gene cluster antisense RNA; plus strand). Cytogenetic location: 17p13.1.
Variant type: single nucleotide variant.
Coding change: c.254A>G on transcript NM_017534.6 (MANE Select); coding-DNA position 254, A replaced by G.
Protein change: p.Tyr85Cys; replaces tyrosine 85 with cysteine.
Molecular consequence: missense variant.
Genome position (GRCh38, 1-based): chr17:10,547,569, T>C on the plus strand (A>G on the coding strand, the complement: MYH2 is on the minus strand). VCF-style: chr17-10547569-T-C. GRCh37 (hg19) VCF-style: chr17-10450886-T-C.
Other names: c.254A>G, p.Tyr85Cys (NM_001100112.2); short protein forms Y85C.
Identifiers: ClinVar variation 1719567 (VCV001719567.6), dbSNP rs2508479411, ClinGen allele CA398173429.

ClinVar aggregate classification (germline): Uncertain significance (1 of 4 stars; one submission).

Conditions:
Myopathy, proximal, and ophthalmoplegia (CMYO6). Also called: CONGENITAL MYOPATHY 6 WITH OPHTHALMOPLEGIA; MYOPATHY WITH CONGENITAL JOINT CONTRACTURES, OPHTHALMOPLEGIA, AND RIMMED VACUOLES; INCLUSION BODY MYOPATHY 3, AUTOSOMAL DOMINANT. Identifiers: Orphanet 363677, Orphanet 79091, MedGen C1854106, MONDO:0011577, OMIM 605637.

Submission:

Labcorp Genetics (formerly Invitae), Labcorp
Classification: Uncertain significance for Myopathy, proximal, and ophthalmoplegia. Last evaluated: 2025-02-17. Review status: criteria provided, single submitter. Criteria: Invitae Variant Classification Sherloc (09022015). Collection method: clinical testing. Allele origin: germline.
Comment: This sequence change replaces tyrosine, which is neutral and polar, with cysteine, which is neutral and slightly polar, at codon 85 of the MYH2 protein (p.Tyr85Cys). This variant is not present in population databases (gnomAD no frequency). This variant has not been reported in the literature in individuals affected with MYH2-related conditions. ClinVar contains an entry for this variant (Variation ID: 1719567). Invitae Evidence Modeling of protein sequence and biophysical properties (such as structural, functional, and spatial information, amino acid conservation, physicochemical variation, residue mobility, and thermodynamic stability) indicates that this missense variant is expected to disrupt MYH2 protein function with a positive predictive value of 80%. In summary, the available evidence is currently insufficient to determine the role of this variant in disease. Therefore, it has been classified as a Variant of Uncertain Significance.